The following is an entry in ClinVar:

NM_025137.4(SPG11):c.1858A>G (p.Asn620Asp)

Gene: SPG11 (SPG11 vesicle trafficking associated, spatacsin; minus strand). Cytogenetic location: 15q21.1.
Variant type: single nucleotide variant.
Coding change: c.1858A>G on transcript NM_025137.4 (MANE Select); coding-DNA position 1858, A replaced by G.
Protein change: p.Asn620Asp; replaces asparagine 620 with aspartic acid.
Molecular consequence: missense variant.
Genome position (GRCh38, 1-based): chr15:44,629,266, T>C on the plus strand (A>G on the coding strand, the complement: SPG11 is on the minus strand). VCF-style: chr15-44629266-T-C. GRCh37 (hg19) VCF-style: chr15-44921464-T-C.
Other names: c.1858A>G, p.Asn620Asp (NM_001160227.2); short protein forms N620D.
Identifiers: ClinVar variation 1525163 (VCV001525163.5), dbSNP rs2141044861, ClinGen allele CA392234532.
Genomic context (GRCh38, chr15:44,629,266, plus strand): 5'-TGCCCCCTTCCTAGCTGCTATTCTTACCTTCAGTGTGAATGAAAAGCTCCTTTATTTGGT[T>C]GTTAAGGAAAGACAGTGTAAGATTAAGCAATTGTTCTGAAAAGTGTTTGCTTTGGGGTTC-3'
Protein context (NP_079413.3, residues 610-630): LLNLTLSFLN[Asn620Asp]QIKELFIHTE

ClinVar aggregate classification (germline): Uncertain significance. Review status: criteria provided, multiple submitters, no conflicts (2 of 4 stars). 2 submissions from 2 submitters: Uncertain significance (2). Last evaluated 2021-10-21.

Conditions:
Inborn genetic diseases. Identifiers: MedGen C0950123, MeSH D030342.
Hereditary spastic paraplegia 11. Also called: Spastic Paraplegia 11; SPASTIC PARAPLEGIA, AUTOSOMAL RECESSIVE, COMPLICATED, WITH THIN CORPUS CALLOSUM; SPASTIC PARAPLEGIA, AUTOSOMAL RECESSIVE, WITH MENTAL IMPAIRMENT AND THIN CORPUS CALLOSUM; Nakamura Osame syndrome; Autosomal recessive hereditary spastic paraplegia, mental impairment, and thin corpus callosum; Spastic paraplegia, mental retardation and thin corpus callosum. Identifiers: Orphanet 2822, MedGen C1858479, MONDO:0011445, OMIM 604360.

Allele frequency attached by ClinVar (database versions not stated): gnomAD exomes 0.00001.
gnomAD v4.1: 18 of 1,614,138 alleles (0.0011%); highest among the groups gnomAD compares: Non-Finnish European, 0.0015%; no homozygotes.

Submissions (2):

Labcorp Genetics (formerly Invitae), Labcorp
Classification: Uncertain significance for Hereditary spastic paraplegia 11. Last evaluated: 2021-10-21. Review status: criteria provided, single submitter. Criteria: Invitae Variant Classification Sherloc (09022015). Collection method: clinical testing. Allele origin: germline.
Comment: This sequence change replaces asparagine with aspartic acid at codon 620 of the SPG11 protein (p.Asn620Asp). The asparagine residue is weakly conserved and there is a small physicochemical difference between asparagine and aspartic acid. This variant is not present in population databases (ExAC no frequency). This variant has not been reported in the literature in individuals affected with SPG11-related conditions. Algorithms developed to predict the effect of missense changes on protein structure and function (SIFT, PolyPhen-2, Align-GVGD) all suggest that this variant is likely to be tolerated. In summary, the available evidence is currently insufficient to determine the role of this variant in disease. Therefore, it has been classified as a Variant of Uncertain Significance.

Ambry Genetics
Classification: Uncertain significance for Inborn genetic diseases. Last evaluated: 2020-01-13. Review status: criteria provided, single submitter. Criteria: Ambry Variant Classification Scheme 2023. Collection method: clinical testing. Allele origin: germline.
Comment: The p.N620D variant (also known as c.1858A>G), located in coding exon 9 of the SPG11 gene, results from an A to G substitution at nucleotide position 1858. The asparagine at codon 620 is replaced by aspartic acid, an amino acid with highly similar properties. This amino acid position is poorly conserved in available vertebrate species. In addition, this alteration is predicted to be tolerated by in silico analysis. Since supporting evidence is limited at this time, the clinical significance of this alteration remains unclear.